The following is an entry in ClinVar:

ClinVar aggregate classification (germline): Likely benign. Review status: criteria provided, multiple submitters, no conflicts (2 of 4 stars). 2 submissions from 2 submitters: Likely benign (2). Last evaluated 2025-12-30.

Conditions:
Carnitine acylcarnitine translocase deficiency (CACTD). Identifiers: Orphanet 159, MedGen C0342791, MONDO:0008918, OMIM 212138.

Allele frequency attached by ClinVar (database versions not stated): gnomAD 0.00002; TOPMed 0.00006.
gnomAD v4.1: 40 of 1,611,880 alleles (0.0025%); highest among the groups gnomAD compares: East Asian, 0.062%; no homozygotes.

Submissions (2):

Labcorp Genetics (formerly Invitae), Labcorp
Classification: Likely benign for Carnitine acylcarnitine translocase deficiency. Last evaluated: 2025-12-30. Review status: criteria provided, single submitter. Criteria: Invitae Variant Classification Sherloc (09022015). Collection method: clinical testing. Allele origin: germline.

GeneDx
Classification: Likely benign. Last evaluated: 2018-05-17. Review status: criteria provided, single submitter. Criteria: GeneDx Variant Classification (06012015). Collection method: clinical testing. Allele origin: germline. Affected: yes.
Comment: This variant is considered likely benign or benign based on one or more of the following criteria: it is a conservative change, it occurs at a poorly conserved position in the protein, it is predicted to be benign by multiple in silico algorithms, and/or has population frequency not consistent with disease.

NM_000387.6(SLC25A20):c.608+12A>G

Gene: SLC25A20 (solute carrier family 25 member 20; minus strand). Cytogenetic location: 3p21.31.
Variant type: single nucleotide variant.
Coding change: c.608+12A>G on transcript NM_000387.6 (MANE Select); 12 bases into the intron after coding-DNA position 608, A replaced by G.
Molecular consequence: intron variant.
Genome position (GRCh38, 1-based): chr3:48,859,543, T>C on the plus strand (A>G on the coding strand, the complement: SLC25A20 is on the minus strand). VCF-style: chr3-48859543-T-C. GRCh37 (hg19) VCF-style: chr3-48896976-T-C.
Identifiers: ClinVar variation 682522 (VCV000682522.5), dbSNP rs773824427, ClinGen allele CA2387345.